The following is an entry in ClinVar:

NM_018006.5(TRMU):c.481_483delinsAT (p.Val161fs)

Gene: TRMU (tRNA mitochondrial 2-thiouridylase; plus strand). Cytogenetic location: 22q13.31.
Variant type: Indel.
Coding change: c.481_483delinsAT on transcript NM_018006.5 (MANE Select); coding-DNA positions 481 to 483, GTA replaced by AT.
Protein change: p.Val161fs; shifts the reading frame from valine 161.
Molecular consequence: frameshift variant. On other transcripts: intron variant (2).
Genome position (GRCh38, 1-based): chr22:46,350,293-46,350,295, GTA replaced by AT. VCF-style: chr22-46350293-GTA-AT. GRCh37 (hg19) VCF-style: chr22-46746190-GTA-AT.
Other names: c.139_141delinsAT, p.Val47fs (NM_001282782.2); c.481_483delinsAT, p.Val161fs (NM_001282785.2); c.118-57_118-55delinsAT (NM_001282783.2, NM_001282784.2); short protein forms V161fs, V47fs.
Identifiers: ClinVar variation 972097 (VCV000972097.1), dbSNP rs2078377046, ClinGen allele CA1139667160.

ClinVar aggregate classification (germline): Pathogenic (1 of 4 stars; one submission).

Submission:

Labcorp Genetics (formerly Invitae), Labcorp
Classification: Pathogenic. Last evaluated: 2019-12-23. Review status: criteria provided, single submitter. Criteria: Invitae Variant Classification Sherloc (09022015). Collection method: clinical testing. Allele origin: germline.
Comment: This sequence change creates a premature translational stop signal (p.Val161Ilefs*25) in the TRMU gene. It is expected to result in an absent or disrupted protein product. This variant is not present in population databases (ExAC no frequency). This variant has not been reported in the literature in individuals with TRMU-related conditions. Loss-of-function variants in TRMU are known to be pathogenic (PMID: 19732863, 23625533). For these reasons, this variant has been classified as Pathogenic.